The following is an entry in ClinVar:

NM_015909.4(NBAS):c.6847G>A (p.Asp2283Asn)

Gene: NBAS (NBAS subunit of NRZ tethering complex; minus strand). Cytogenetic location: 2p24.3.
Variant type: single nucleotide variant.
Coding change: c.6847G>A on transcript NM_015909.4 (MANE Select); coding-DNA position 6847, G replaced by A.
Protein change: p.Asp2283Asn; replaces aspartic acid 2283 with asparagine.
Molecular consequence: missense variant. On other transcripts: non-coding transcript variant (1).
Genome position (GRCh38, 1-based): chr2:15,167,317, C>T on the plus strand (G>A on the coding strand, the complement: NBAS is on the minus strand). VCF-style: chr2-15167317-C-T. GRCh37 (hg19) VCF-style: chr2-15307441-C-T.
Other names: c.6847G>A (NM_015909.3); short protein forms D2283N.
Identifiers: ClinVar variation 2419099 (VCV002419099.7), dbSNP rs1212416251, ClinGen allele CA345912418.

ClinVar aggregate classification (germline): Uncertain significance. Review status: criteria provided, single submitter (1 of 4 stars). 2 submissions from 2 submitters: Uncertain significance (1). 1 of the submissions does not count toward it. Last evaluated 2024-05-22.

Conditions:
NBAS-related disorder. Also called: NBAS-related condition.

Allele frequency attached by ClinVar (database versions not stated): TOPMed below 0.00001; gnomAD 0.00001.
gnomAD v4.1: 2 of 1,614,082 alleles (0.00012%); highest among the groups gnomAD compares: East Asian, 0.0022%; no homozygotes.

Submissions (2):

Labcorp Genetics (formerly Invitae), Labcorp
Classification: Uncertain significance. Last evaluated: 2024-05-22. Review status: criteria provided, single submitter. Criteria: Invitae Variant Classification Sherloc (09022015). Collection method: clinical testing. Allele origin: germline.
Comment: This sequence change replaces aspartic acid, which is acidic and polar, with asparagine, which is neutral and polar, at codon 2283 of the NBAS protein (p.Asp2283Asn). This variant is present in population databases (no rsID available, gnomAD 0.006%). This variant has not been reported in the literature in individuals affected with NBAS-related conditions. ClinVar contains an entry for this variant (Variation ID: 2419099). Advanced modeling of protein sequence and biophysical properties (such as structural, functional, and spatial information, amino acid conservation, physicochemical variation, residue mobility, and thermodynamic stability) performed at Invitae indicates that this missense variant is not expected to disrupt NBAS protein function with a negative predictive value of 95%. In summary, the available evidence is currently insufficient to determine the role of this variant in disease. Therefore, it has been classified as a Variant of Uncertain Significance.

PreventionGenetics, part of Exact Sciences
Classification: Uncertain significance for NBAS-related condition. Last evaluated: 2024-06-19. Review status: no assertion criteria provided. Collection method: clinical testing. Allele origin: germline. Not counted in ClinVar's aggregate classification.
Comment: The NBAS c.6847G>A variant is predicted to result in the amino acid substitution p.Asp2283Asn. To our knowledge, this variant has not been reported in the literature. This variant is reported in 0.0054% of alleles in individuals of East Asian descent in gnomAD. At this time, the clinical significance of this variant is uncertain due to the absence of conclusive functional and genetic evidence.